The following is an entry in ClinVar:

NM_000057.4(BLM):c.512C>A (p.Thr171Lys)

Gene: BLM (BLM RecQ like helicase; plus strand). Cytogenetic location: 15q26.1.
Variant type: single nucleotide variant.
Coding change: c.512C>A on transcript NM_000057.4 (MANE Select); coding-DNA position 512, C replaced by A.
Protein change: p.Thr171Lys; replaces threonine 171 with lysine.
Molecular consequence: missense variant. On other transcripts: 5 prime UTR variant (1).
Genome position (GRCh38, 1-based): chr15:90,749,780, C>A. VCF-style: chr15-90749780-C-A. GRCh37 (hg19) VCF-style: chr15-91293010-C-A.
Other names: c.512C>A, p.Thr171Lys (NM_001287246.2, NM_001287247.2); c.-780C>A (NM_001287248.2); short protein forms T171K.
Identifiers: ClinVar variation 2586908 (VCV002586908.2), dbSNP rs2151147496, ClinGen allele CA393840948.
Genomic context (GRCh38, chr15:90,749,780, plus strand): 5'-TCAATGATTGGGATGATATGGATGACTTTGATACTTCTGAGACTTCAAAATCATTTGTTA[C>A]ACCACCCCAAAGTCACTTTGTAAGAGTAAGCACTGCTCAGAAATCAAAAAAGGGTAAGAG-3'
Protein context (NP_000048.1, residues 161-181): DTSETSKSFV[Thr171Lys]PPQSHFVRVS

ClinVar aggregate classification (germline): Uncertain significance (1 of 4 stars; one submission).

Conditions:
Hereditary cancer-predisposing syndrome. Also called: Hereditary neoplastic syndrome; Tumor predisposition; Hereditary Cancer Syndrome; Neoplastic Syndromes, Hereditary. Identifiers: Orphanet 140162, MedGen C0027672, MeSH D009386, MONDO:0015356.

Submission:

Ambry Genetics
Classification: Uncertain significance for Hereditary cancer-predisposing syndrome. Last evaluated: 2023-09-09. Review status: criteria provided, single submitter. Criteria: Ambry Variant Classification Scheme 2023. Collection method: clinical testing. Allele origin: germline.
Comment: The p.T171K variant (also known as c.512C>A), located in coding exon 2 of the BLM gene, results from a C to A substitution at nucleotide position 512. The threonine at codon 171 is replaced by lysine, an amino acid with similar properties. This amino acid position is conserved. In addition, this alteration is predicted to be tolerated by in silico analysis. Since supporting evidence is limited at this time, the clinical significance of this alteration remains unclear.